The following is an entry in ClinVar:

ClinVar aggregate classification (germline): Pathogenic/Likely pathogenic. Review status: criteria provided, multiple submitters, no conflicts (2 of 4 stars). 12 submissions from 12 submitters: Pathogenic (7); Likely pathogenic (4). 1 of the submissions does not count toward it. Last evaluated 2025-08-19.

Conditions:
MYO7A-related disorder. Also called: MYO7A-related disorders.
Rare genetic deafness. Identifiers: Orphanet 96210, MedGen C5680250.
Nonsyndromic genetic hearing loss. Also called: Non-syndromic genetic deafness; Nonsyndromic hearing loss and deafness; Nonsyndromic genetic deafness. Identifiers: Orphanet 87884, MedGen C5680182, MONDO:0019497.
Usher syndrome type 1 (USH1). Also called: RETINITIS PIGMENTOSA AND CONGENITAL DEAFNESS. Identifiers: Orphanet 231169, Orphanet 886, MedGen C1568247, MONDO:0010168, OMIM 276900.
Autosomal recessive nonsyndromic hearing loss 2. Also called: DEAFNESS, AUTOSOMAL RECESSIVE 2; NEUROSENSORY NONSYNDROMIC RECESSIVE DEAFNESS 2. Identifiers: Orphanet 90636, MedGen C1838701, MONDO:0010807, OMIM 600060.
Autosomal dominant nonsyndromic hearing loss 11. Identifiers: Orphanet 90635, MedGen C1832475, MONDO:0011032, OMIM 601317.
Usher syndrome type 1B (USH1B). Also called: Usher syndrome type IB. Identifiers: MedGen C1848638, MONDO:0700087.

Allele frequency attached by ClinVar (database versions not stated): gnomAD 0.00001 and 0.00002; gnomAD exomes 0.00001 and 0.00002; TOPMed 0.00003.
gnomAD v4.1: 26 of 1,612,952 alleles (0.0016%); highest among the groups gnomAD compares: Non-Finnish European, 0.00034%; no homozygotes.

Submissions (12):

Labcorp Genetics (formerly Invitae), Labcorp
Classification: Pathogenic. Last evaluated: 2025-08-19. Review status: criteria provided, single submitter. Criteria: Invitae Variant Classification Sherloc (09022015). Collection method: clinical testing. Allele origin: germline.
Comment: This sequence change affects a donor splice site in intron 18 of the MYO7A gene. It is expected to disrupt RNA splicing. Variants that disrupt the donor or acceptor splice site typically lead to a loss of protein function (PMID: 16199547), and loss-of-function variants in MYO7A are known to be pathogenic (PMID: 8900236, 25404053). This variant is present in population databases (rs111033290, gnomAD 0.03%). Disruption of this splice site has been observed in individuals with Usher syndrome type I (PMID: 9382091, 19074810). This variant is also known as IVS18 +1G>A. ClinVar contains an entry for this variant (Variation ID: 43175). Algorithms developed to predict the effect of sequence changes on RNA splicing suggest that this variant may disrupt the consensus splice site. For these reasons, this variant has been classified as Pathogenic.

Natera, Inc.
Classification: Pathogenic for Usher syndrome type 1B. Last evaluated: 2025-06-16. Review status: criteria provided, single submitter. Criteria: Natera Variant Classification Schema (03/2026). Collection method: clinical testing. Allele origin: germline.
Comment: The c.2187+1G>A variant in MYO7A is a canonical splice donor site variant predicted to affect pre-mRNA splicing, which may result in an abnormal transcript and altered protein product. This variant is expected to result in nonsense mediated decay, truncation, or a dysfunctional protein product. This variant is rare in the general population with a frequency below the threshold expected for the associated phenotype(s). This variant has been observed in one or more individuals affected with the associated recessive disease, as either homozygous or compound heterozygous with a second variant (PMID: 9382091, 21873662, 26338283, 35672425). Given the available evidence, this variant is classified as Pathogenic.

Clinical Genetics Laboratory, Skane University Hospital Lund
Classification: Pathogenic. Last evaluated: 2022-06-08. Review status: criteria provided, single submitter. Criteria: ACMG Guidelines, 2015. Collection method: clinical testing. Allele origin: germline. Affected: yes.

Blueprint Genetics
Classification: Pathogenic for MYO7A-related disorders. Last evaluated: 2022-03-24. Review status: criteria provided, single submitter. Criteria: ACMG Guidelines, 2015. Collection method: clinical testing. Allele origin: germline. Affected: yes. Observed: 1 variant allele.

Myriad Genetics, Inc.
Classification: Pathogenic for Usher syndrome type 1. Last evaluated: 2022-01-05. Review status: criteria provided, single submitter. Criteria: Myriad Women's Health Autosomal Recessive and X-Linked Classification Criteria (2021). Collection method: clinical testing. Allele origin: unknown.
Comment: NM_000260.3(MYO7A):c.2187+1G>A is a canonical splice variant classified as pathogenic in the context of MYO7A-related disorders. c.2187+1G>A has been observed in cases with relevant disease (PMID: 9382091, 19074810, 33111345). Functional assessments of this variant are not available in the literature. c.2187+1G>A has been observed in population frequency databases (gnomAD: ASJ 0.04%). In summary, NM_000260.3(MYO7A):c.2187+1G>A is a canonical splice variant in a gene where loss of function is a known mechanism of disease, is predicted to disrupt protein function, and has been observed more frequently in cases with the relevant disease than in healthy populations. Please note: this variant was assessed in the context of healthy population screening.

Fulgent Genetics
Classification: Likely pathogenic for Usher syndrome type 1; Autosomal recessive nonsyndromic hearing loss 2; Autosomal dominant nonsyndromic hearing loss 11. Last evaluated: 2021-09-21. Review status: criteria provided, single submitter. Criteria: ACMG Guidelines, 2015. Collection method: clinical testing. Allele origin: unknown.

Revvity Omics, Revvity
Classification: Pathogenic. Last evaluated: 2021-01-15. Review status: criteria provided, single submitter. Criteria: ACMG Guidelines, 2015. Collection method: clinical testing. Allele origin: germline.

Victorian Clinical Genetics Services, Murdoch Childrens Research Institute
Classification: Pathogenic for Nonsyndromic genetic hearing loss. Last evaluated: 2020-05-21. Review status: criteria provided, single submitter. Criteria: ACMG Guidelines, 2015. Collection method: clinical testing. Allele origin: germline. Affected: yes.
Comment: A heterozygous canonical splice site variant was identified, NM_000260.3(MYO7A):c.2187+1G>A in intron 18 of 48 of the MYO7A gene. The nucleotide at this position has very high conservation (PhyloP, UCSC). In silico software predicts this variant to cause aberrant splicing (NetGene2, NNSPLICE, Human Splicing Finder), however, , RNA studies are required to determine if splicing is altered. The variant is present in the gnomAD population database at a frequency of 0.002% (5 heterozygotes; 0 homozygotes). The variant has previously been reported as pathogenic in patients with autosomal recessive Usher syndrome (ClinVar, Adato, A. et al. (1997), Jacobson, S. et al. (2009), Jiang, L. et al. (2015)). A different variant in the same splice site (c.2187+1G>T) has also been shown to cause Usher syndrome (Khalaileh, A. et al. (2018)). A heterozygous canonical splice site variant was identified, NM_000260.3(MYO7A):c.2187+1G>A in intron 18 of 48 of the MYO7A gene. The nucleotide at this position has very high conservation (PhyloP, UCSC). In silico software predicts this variant to cause aberrant splicing (NetGene2, NNSPLICE, Human Splicing Finder). The variant is present in the gnomAD population database at a frequency of 0.002% (5 heterozygotes; 0 homozygotes). The variant has previously been reported as pathogenic in patients with Usher syndrome (ClinVar, Adato, A. et al. (1997), Jacobson, S. et al. (2009), Jiang, L. et al. (2015)). A different variant in the same splice site (c.2187+1G>T) has also been shown to cause Usher syndrome (Khalaileh, A. et al. (2018)). Based on information available at the time of curation, this variant has been classified as PATHOGENIC. Based on information available at the time of curation, this variant has been classified as PATHOGENIC.

Athena Diagnostics
Classification: Likely pathogenic. Last evaluated: 2018-12-07. Review status: criteria provided, single submitter. Criteria: Athena Diagnostics Criteria. Collection method: clinical testing. Allele origin: germline.
Comment: The variant disrupts a canonical splice site, and is therefore predicted to result in the loss of a functional protein. The best available variant frequency is uninformative because it is below the disease allele frequency.

GeneDx
Classification: Likely pathogenic. Last evaluated: 2017-11-10. Review status: criteria provided, single submitter. Criteria: GeneDx Variant Classification (06012015). Collection method: clinical testing. Allele origin: germline. Affected: yes.
Comment: The c.2187+1 G>A splice site variant has been previously reported in association with Usher syndrome (Adato et al., 1997). This variant destroys the canonical splice donor site in intron 18, and is expected to cause abnormal gene splicing. The variant is not observed at a significant frequency in large population cohorts (Lek et al., 2016). In summary, we consider this variant to be likely pathogenic.

Laboratory for Molecular Medicine, Mass General Brigham Personalized Medicine
Classification: Likely pathogenic for Rare genetic deafness. Last evaluated: 2007-08-22. Review status: criteria provided, single submitter. Criteria: LMM Criteria. Collection method: clinical testing. Allele origin: germline. Observed: 1 variant allele.

Sharon lab, Hadassah-Hebrew University Medical Center
Classification: Pathogenic for Usher syndrome type 1. Last evaluated: 2019-06-23. Review status: no assertion criteria provided. Collection method: research. Allele origin: inherited. Affected: yes. Not counted in ClinVar's aggregate classification.

Literature cited by the submitters: PubMed 16199547 (cited by Labcorp Genetics (formerly Invitae), Labcorp); PubMed 8900236 (cited by Labcorp Genetics (formerly Invitae), Labcorp); PubMed 25404053 (cited by Labcorp Genetics (formerly Invitae), Labcorp); PubMed 9382091 (cited by 6 submitters); PubMed 19074810 (cited by 5 submitters); PubMed 21873662 (cited by Natera, Inc.); PubMed 26338283 (cited by Natera, Inc. and Victorian Clinical Genetics Services, Murdoch Childrens Research Institute); PubMed 35672425 (cited by Natera, Inc.); PubMed 33111345 (cited by Myriad Genetics, Inc.); PubMed 29490346 (cited by Victorian Clinical Genetics Services, Murdoch Childrens Research Institute); PubMed 15028842 (cited by Laboratory for Molecular Medicine, Mass General Brigham Personalized Medicine).

NM_000260.4(MYO7A):c.2187+1G>A

Gene: MYO7A (myosin VIIA; plus strand). Cytogenetic location: 11q13.5.
Variant type: single nucleotide variant.
Coding change: c.2187+1G>A on transcript NM_000260.4 (MANE Select); the canonical splice donor site of the intron after coding-DNA position 2187, G replaced by A.
Molecular consequence: splice donor variant.
Genome position (GRCh38, 1-based): chr11:77,175,465, G>A. VCF-style: chr11-77175465-G-A. GRCh37 (hg19) VCF-style: chr11-76886511-G-A.
Other names: c.2154+1G>A (NM_001369365.1); c.2187+1G>A (NM_001127180.2).
Identifiers: ClinVar variation 43175 (VCV000043175.28), dbSNP rs111033290, ClinGen allele CA278645.
Genomic context (GRCh38, chr11:77,175,465, plus strand): 5'-GAGGCTGTGCTGGGCACCCACGATGACTGGCAGATAGGCAAAACCAAGATCTTTCTGAAG[G>A]TGAGCACAGATGCCTTCCCTGGGCTGCCCTGGGGGGGCTGTAAATTCCCATGATGTGGGC-3'